The following is an entry in ClinVar:

NM_004612.4(TGFBR1):c.1231A>G (p.Ile411Val)

Gene: TGFBR1 (transforming growth factor beta receptor 1; plus strand). Cytogenetic location: 9q22.33.
Variant type: single nucleotide variant.
Coding change: c.1231A>G on transcript NM_004612.4 (MANE Select); coding-DNA position 1231, A replaced by G.
Protein change: p.Ile411Val; replaces isoleucine 411 with valine.
Molecular consequence: missense variant.
Genome position (GRCh38, 1-based): chr9:99,146,585, A>G. VCF-style: chr9-99146585-A-G. GRCh37 (hg19) VCF-style: chr9-101908867-A-G.
Other names: c.1000A>G, p.Ile334Val (NM_001130916.3); c.1243A>G, p.Ile415Val (NM_001306210.2); short protein forms I411V, I334V, I415V.
Identifiers: ClinVar variation 213891 (VCV000213891.9), dbSNP rs1554702248, ClinGen allele CA324752.
Genomic context (GRCh38, chr9:99,146,585, plus strand): 5'-AAACATTTTGAATCCTTCAAACGTGCTGACATCTATGCAATGGGCTTAGTATTCTGGGAA[A>G]TTGCTCGACGATGTTCCATTGGTGGTAAATTGCTCTCCTCTCCCCCAGTAGTTTGTCATG-3'
Protein context (NP_004603.1, residues 401-421): IYAMGLVFWE[Ile411Val]ARRCSIGGIH

ClinVar aggregate classification (germline): Uncertain significance (1 of 4 stars; one submission).

Conditions:
Familial thoracic aortic aneurysm and aortic dissection (TAAD). Also called: Thoracic aortic aneurysms and dissections. Identifiers: Orphanet 91387, MedGen C4707243, MONDO:0019625.

Submission:

Labcorp Genetics (formerly Invitae), Labcorp
Classification: Uncertain significance for Familial thoracic aortic aneurysm and aortic dissection. Last evaluated: 2022-09-12. Review status: criteria provided, single submitter. Criteria: Invitae Variant Classification Sherloc (09022015). Collection method: clinical testing. Allele origin: germline.
Comment: This sequence change replaces isoleucine, which is neutral and non-polar, with valine, which is neutral and non-polar, at codon 411 of the TGFBR1 protein (p.Ile411Val). This variant is not present in population databases (gnomAD no frequency). This variant has not been reported in the literature in individuals affected with TGFBR1-related conditions. ClinVar contains an entry for this variant (Variation ID: 213891). Advanced modeling of protein sequence and biophysical properties (such as structural, functional, and spatial information, amino acid conservation, physicochemical variation, residue mobility, and thermodynamic stability) performed at Invitae indicates that this missense variant is not expected to disrupt TGFBR1 protein function. In summary, the available evidence is currently insufficient to determine the role of this variant in disease. Therefore, it has been classified as a Variant of Uncertain Significance.